The following is an entry in ClinVar:

ClinVar aggregate classification (germline): Uncertain significance. Review status: criteria provided, multiple submitters, no conflicts (2 of 4 stars). 3 submissions from 3 submitters: Uncertain significance (3). Last evaluated 2025-08-15.

Conditions:
Inborn genetic diseases. Identifiers: MedGen C0950123, MeSH D030342.

Allele frequency attached by ClinVar (database versions not stated): ExAC 0.00002; gnomAD exomes 0.00001; gnomAD 0.00003; TOPMed 0.00003.
gnomAD v4.1: 9 of 1,612,734 alleles (0.00056%); highest among the groups gnomAD compares: African/African-American, 0.004%; no homozygotes.

Submissions (3):

Ambry Genetics
Classification: Uncertain significance for Inborn genetic diseases. Last evaluated: 2025-08-15. Review status: criteria provided, single submitter. Criteria: Ambry Variant Classification Scheme 2023. Collection method: clinical testing. Allele origin: germline.

Labcorp Genetics (formerly Invitae), Labcorp
Classification: Uncertain significance. Last evaluated: 2025-06-12. Review status: criteria provided, single submitter. Criteria: Invitae Variant Classification Sherloc (09022015). Collection method: clinical testing. Allele origin: germline.
Comment: This sequence change replaces arginine, which is basic and polar, with tryptophan, which is neutral and slightly polar, at codon 2244 of the DCHS1 protein (p.Arg2244Trp). This variant is present in population databases (rs758892533, gnomAD 0.004%). This variant has not been reported in the literature in individuals affected with DCHS1-related conditions. ClinVar contains an entry for this variant (Variation ID: 2726159). An algorithm developed to predict the effect of missense changes on protein structure and function outputs the following: PolyPhen-2: "Benign". The tryptophan amino acid residue is found in multiple mammalian species, which suggests that this missense change does not adversely affect protein function. In summary, the available evidence is currently insufficient to determine the role of this variant in disease. Therefore, it has been classified as a Variant of Uncertain Significance.

GeneDx
Classification: Uncertain significance. Last evaluated: 2025-03-04. Review status: criteria provided, single submitter. Criteria: GeneDx Variant Classification Process June 2021. Collection method: clinical testing. Allele origin: germline. Affected: yes.
Comment: Not observed at significant frequency in large population cohorts (gnomAD); In silico analysis supports that this missense variant has a deleterious effect on protein structure/function; Has not been previously published as pathogenic or benign to our knowledge

NM_003737.4(DCHS1):c.6730C>T (p.Arg2244Trp)

Gene: DCHS1 (dachsous cadherin-related 1; minus strand). Cytogenetic location: 11p15.4.
Variant type: single nucleotide variant.
Coding change: c.6730C>T on transcript NM_003737.4 (MANE Select); coding-DNA position 6730, C replaced by T.
Protein change: p.Arg2244Trp; replaces arginine 2244 with tryptophan.
Molecular consequence: missense variant.
Genome position (GRCh38, 1-based): chr11:6,625,921, G>A on the plus strand (C>T on the coding strand, the complement: DCHS1 is on the minus strand). VCF-style: chr11-6625921-G-A. GRCh37 (hg19) VCF-style: chr11-6647152-G-A.
Other names: c.6730C>T (NM_003737.3, NM_003737.2); short protein forms R2244W.
Identifiers: ClinVar variation 2726159 (VCV002726159.5), dbSNP rs758892533, ClinGen allele CA5859798.